The following is an entry in ClinVar:

NM_024642.5(GALNT12):c.-5G>A

Gene: GALNT12 (polypeptide N-acetylgalactosaminyltransferase 12; plus strand). Cytogenetic location: 9q22.33.
Variant type: single nucleotide variant.
Coding change: c.-5G>A on transcript NM_024642.5 (MANE Select); 5 bases upstream of the start codon, G replaced by A.
Molecular consequence: 5 prime UTR variant.
Genome position (GRCh38, 1-based): chr9:98,807,694, G>A. VCF-style: chr9-98807694-G-A. GRCh37 (hg19) VCF-style: chr9-101569976-G-A.
Identifiers: ClinVar variation 1751004 (VCV001751004.2), dbSNP rs2490454441, ClinGen allele CA2580080815.

ClinVar aggregate classification (germline): Uncertain significance (1 of 4 stars; one submission).

Submission:

Ambry Genetics
Classification: Uncertain significance. Last evaluated: 2022-01-07. Review status: criteria provided, single submitter. Criteria: Ambry Variant Classification Scheme 2023. Collection method: clinical testing. Allele origin: germline.
Comment: The c.-5G>A variant is located in the 5' untranslated region (5&rsquo; UTR) of the GALNT12 gene. This variant results from a G to A substitution 5 bases upstream from the first translated codon. This nucleotide position is well conserved in available vertebrate species. The evidence for this gene-disease relationship is limited; therefore, the clinical significance of this alteration is unclear.